The following is an entry in ClinVar:

ClinVar aggregate classification (germline): Likely pathogenic (1 of 4 stars; one submission).

Conditions:
Megalencephalic leukoencephalopathy with subcortical cysts 1 (MLC1). Also called: LEUKOENCEPHALOPATHY WITH SWELLING AND CYSTS; VACUOLATING MEGALENCEPHALIC LEUKOENCEPHALOPATHY WITH SUBCORTICAL CYSTS. Identifiers: Orphanet 2478, MedGen C5779875, MONDO:0024555, OMIM 604004.

Submission:

Myriad Genetics, Inc.
Classification: Likely pathogenic for Megalencephalic leukoencephalopathy with subcortical cysts 1. Last evaluated: 2022-02-20. Review status: criteria provided, single submitter. Criteria: Myriad Women's Health Autosomal Recessive and X-Linked Classification Criteria (2021). Collection method: clinical testing. Allele origin: unknown.
Comment: NM_015166.3(MLC1):c.892A>T(K298*) is expected to be pathogenic in the context of megalencephalic leukoencephalopathy with subcortical cysts. This variant is predicted to lead to an abnormal or absent protein product due to the creation of a premature termination codon in MLC1, a gene where loss-of-function variants are known to be pathogenic. Please note: this variant was assessed in the context of healthy population screening.

NM_015166.4(MLC1):c.892A>T (p.Lys298Ter)

Gene: MLC1 (modulator of VRAC current 1; minus strand). Cytogenetic location: 22q13.33.
Variant type: single nucleotide variant.
Coding change: c.892A>T on transcript NM_015166.4 (MANE Select); coding-DNA position 892, A replaced by T.
Protein change: p.Lys298Ter; replaces lysine 298 with a stop codon.
Molecular consequence: nonsense. On other transcripts: non-coding transcript variant (3).
Genome position (GRCh38, 1-based): chr22:50,068,435, T>A on the plus strand (A>T on the coding strand, the complement: MLC1 is on the minus strand). VCF-style: chr22-50068435-T-A. GRCh37 (hg19) VCF-style: chr22-50506864-T-A.
Other names: c.892A>T, p.Lys298Ter (NM_001376472.1, NM_001376473.1, NM_001376474.1 and 5 more transcripts); c.835A>T, p.Lys279Ter (NM_001376479.1); c.802A>T, p.Lys268Ter (NM_001376480.1); c.790A>T, p.Lys264Ter (NM_001376481.1); c.736A>T, p.Lys246Ter (NM_001376482.1, NM_001376483.1); c.655A>T, p.Lys219Ter (NM_001376484.1); short protein forms K219*, K246*, K264*, K268*, K279*, K298*.
Identifiers: ClinVar variation 1724607 (VCV001724607.2), dbSNP rs2518487678, ClinGen allele CA412107489.
Genomic context (GRCh38, chr22:50,068,435, plus strand): 5'-CAGGCCAACACGCAGAGCACCACATGTCTGGGGGGCTCTGAAATAAAATACAACTCACTT[T>A]TATGGCTGGCGGGTAATCCTTAAACATCTCCACGATTCTCATGATGCTGAATGACAGATA-3'